The following is an entry in ClinVar:

NM_000057.4(BLM):c.*6G>T

Gene: BLM (BLM RecQ like helicase; plus strand). Cytogenetic location: 15q26.1.
Variant type: single nucleotide variant.
Coding change: c.*6G>T on transcript NM_000057.4 (MANE Select); 6 bases downstream of the stop codon, G replaced by T.
Molecular consequence: 3 prime UTR variant.
Genome position (GRCh38, 1-based): chr15:90,815,285, G>T. VCF-style: chr15-90815285-G-T. GRCh37 (hg19) VCF-style: chr15-91358515-G-T.
Other names: c.*6G>T (NM_001287246.2, NM_001287247.2, NM_001287248.2).
Identifiers: ClinVar variation 2682143 (VCV002682143.4), dbSNP rs375331228, ClinGen allele CA7739222.

ClinVar aggregate classification (germline): Uncertain significance. Review status: criteria provided, single submitter (1 of 4 stars). 2 submissions from 2 submitters: Uncertain significance (1). 1 of the submissions does not count toward it. Last evaluated 2025-06-11.

Conditions:
BLM-related disorder. Also called: BLM-related condition.

Allele frequency attached by ClinVar (database versions not stated): ESP Exome Variant Server 0.00031; 1000 Genomes Project 0.00040; 1000 Genomes Project 30x 0.00047.
gnomAD v4.1: 47 of 1,612,620 alleles (0.0029%); highest among the groups gnomAD compares: African/African-American, 0.057%; no homozygotes.

Submissions (2):

Quest Diagnostics Nichols Institute San Juan Capistrano
Classification: Uncertain significance. Last evaluated: 2025-06-11. Review status: criteria provided, single submitter. Criteria: Quest Diagnostics criteria. Collection method: clinical testing. Allele origin: unknown.
Comment: The BLM c.*6G>T variant has not been reported in individuals with BLM-related conditions in the published literature. The frequency of this variant in the general population (Genome Aggregation Database) is higher than would generally be expected for pathogenic variants in this gene. Analysis of this variant using software algorithms for the prediction of the effect of nucleotide changes on splicing yielded predictions that this variant does not affect BLM mRNA splicing. Based on the available information, we are unable to determine the clinical significance of this variant.

PreventionGenetics, part of Exact Sciences
Classification: Likely benign for BLM-related condition. Last evaluated: 2019-10-28. Review status: no assertion criteria provided. Collection method: clinical testing. Allele origin: germline. Not counted in ClinVar's aggregate classification.
Comment: This variant is classified as likely benign based on ACMG/AMP sequence variant interpretation guidelines (Richards et al. 2015 PMID: 25741868, with internal and published modifications).